The following is an entry in ClinVar:

NM_020549.5(CHAT):c.387T>C (p.Ser129=)

Gene: CHAT (choline O-acetyltransferase; plus strand). Cytogenetic location: 10q11.23.
Variant type: single nucleotide variant.
Coding change: c.387T>C on transcript NM_020549.5 (MANE Select); coding-DNA position 387, T replaced by C.
Protein change: p.Ser129=; no amino-acid change (serine 129 retained).
Molecular consequence: synonymous variant.
Genome position (GRCh38, 1-based): chr10:49,616,602, T>C. VCF-style: chr10-49616602-T-C. GRCh37 (hg19) VCF-style: chr10-50824648-T-C.
Other names: c.33T>C, p.Ser11= (NM_001142929.2, NM_001142934.2, NM_020984.4 and 2 more transcripts); c.141T>C, p.Ser47= (NM_001142933.2).
Identifiers: ClinVar variation 390992 (VCV000390992.4), dbSNP rs143723043, ClinGen allele CA5497103.

ClinVar aggregate classification (germline): Conflicting classifications of pathogenicity. Review status: criteria provided, conflicting classifications (1 of 4 stars). 2 submissions from 2 submitters: Uncertain significance (1); Likely benign (1). Last evaluated 2025-06-20.

Conditions:
Familial infantile myasthenia (CMS6). Also called: Congenital myasthenic syndrome type 6; MYASTHENIC SYNDROME, PRESYNAPTIC, CONGENITAL, ASSOCIATED WITH EPISODIC APNEA; MYASTHENIC SYNDROME, CONGENITAL, 6, PRESYNAPTIC. Identifiers: Orphanet 590, MedGen C0393929, MONDO:0009689, OMIM 254210.

Allele frequency attached by ClinVar (database versions not stated): ExAC 0.00001; TOPMed 0.00001; gnomAD 0.00002; gnomAD exomes 0.00003; ESP Exome Variant Server 0.00008.
gnomAD v4.1: 56 of 1,600,048 alleles (0.0035%); highest among the groups gnomAD compares: Non-Finnish European, 0.0048%; no homozygotes.

Submissions (2):

Labcorp Genetics (formerly Invitae), Labcorp
Classification: Uncertain significance for Familial infantile myasthenia. Last evaluated: 2025-06-20. Review status: criteria provided, single submitter. Criteria: Invitae Variant Classification Sherloc (09022015). Collection method: clinical testing. Allele origin: germline.
Comment: This sequence change affects codon 129 of the CHAT mRNA. It is a 'silent' change, meaning that it does not change the encoded amino acid sequence of the CHAT protein. It affects a nucleotide within the consensus splice site. This variant is present in population databases (rs143723043, gnomAD 0.006%). This variant has not been reported in the literature in individuals affected with CHAT-related conditions. ClinVar contains an entry for this variant (Variation ID: 390992). Algorithms developed to predict the effect of sequence changes on RNA splicing suggest that this variant is not likely to affect RNA splicing. In summary, the available evidence is currently insufficient to determine the role of this variant in disease. Therefore, it has been classified as a Variant of Uncertain Significance.

GeneDx
Classification: Likely benign. Last evaluated: 2016-11-16. Review status: criteria provided, single submitter. Criteria: GeneDx Variant Classification (06012015). Collection method: clinical testing. Allele origin: germline. Affected: yes.
Comment: This variant is considered likely benign or benign based on one or more of the following criteria: it is a conservative change, it occurs at a poorly conserved position in the protein, it is predicted to be benign by multiple in silico algorithms, and/or has population frequency not consistent with disease.